The following is an entry in ClinVar:

ClinVar aggregate classification (germline): Uncertain significance (1 of 4 stars; one submission).

gnomAD v4.1: 2 of 1,455,912 alleles (0.00014%); highest among the groups gnomAD compares: Non-Finnish European, 0.00018%; no homozygotes.

Submission:

Labcorp Genetics (formerly Invitae), Labcorp
Classification: Uncertain significance. Last evaluated: 2024-08-20. Review status: criteria provided, single submitter. Criteria: Invitae Variant Classification Sherloc (09022015). Collection method: clinical testing. Allele origin: germline.
Comment: This sequence change replaces glutamic acid, which is acidic and polar, with glutamine, which is neutral and polar, at codon 210 of the NEFH protein (p.Glu210Gln). This variant is not present in population databases (gnomAD no frequency). This variant has not been reported in the literature in individuals affected with NEFH-related conditions. Invitae Evidence Modeling of protein sequence and biophysical properties (such as structural, functional, and spatial information, amino acid conservation, physicochemical variation, residue mobility, and thermodynamic stability) indicates that this missense variant is not expected to disrupt NEFH protein function with a negative predictive value of 95%. In summary, the available evidence is currently insufficient to determine the role of this variant in disease. Therefore, it has been classified as a Variant of Uncertain Significance.

NM_021076.4(NEFH):c.628G>C (p.Glu210Gln)

Gene: NEFH (neurofilament heavy chain; plus strand). Cytogenetic location: 22q12.2.
Variant type: single nucleotide variant.
Coding change: c.628G>C on transcript NM_021076.4 (MANE Select); coding-DNA position 628, G replaced by C.
Protein change: p.Glu210Gln; replaces glutamic acid 210 with glutamine.
Molecular consequence: missense variant.
Genome position (GRCh38, 1-based): chr22:29,480,890, G>C. VCF-style: chr22-29480890-G-C. GRCh37 (hg19) VCF-style: chr22-29876879-G-C.
Other names: short protein forms E210Q.
Identifiers: ClinVar variation 3673998 (VCV003673998.2).
Genomic context (GRCh38, chr22:29,480,890, plus strand): 5'-CGGCAGCGAGAGGAGGCCGAGGCGGCGGCCCGCGCGCTGGCGCGCTTCGCGCAGGAGGCC[G>C]AGGCGGCGCGCGTGGACCTGCAGAAGAAGGCGCAGGCGCTGCAGGAGGAGTGCGGCTACC-3'
Protein context (NP_066554.2, residues 200-220): RALARFAQEA[Glu210Gln]AARVDLQKKA